The following is an entry in ClinVar:

NM_004006.3(DMD):c.3432+1G>A

Gene: DMD (dystrophin; minus strand). Cytogenetic location: Xp21.1.
Variant type: single nucleotide variant.
Coding change: c.3432+1G>A on transcript NM_004006.3 (MANE Select); the canonical splice donor site of the intron after coding-DNA position 3432, G replaced by A.
Molecular consequence: splice donor variant.
Genome position (GRCh38, 1-based): chrX:32,463,438, C>T on the plus strand (G>A on the coding strand, the complement: DMD is on the minus strand). VCF-style: chrX-32463438-C-T. GRCh37 (hg19) VCF-style: chrX-32481555-C-T.
Other names: c.3408+1G>A (NM_000109.4); c.3420+1G>A (NM_004009.3); c.3063+1G>A (NM_004010.3).
Identifiers: ClinVar variation 94589 (VCV000094589.16), dbSNP rs398123937, ClinGen allele CA267000.

ClinVar aggregate classification (germline): Pathogenic. Review status: criteria provided, multiple submitters, no conflicts (2 of 4 stars). 5 submissions from 5 submitters: Pathogenic (5). Last evaluated 2024-12-18.

Conditions:
DMD-related disorder. Also called: DMD-related condition.
Duchenne muscular dystrophy (DMD). Also called: Duchenne Muscular Dystrophy (DMD); MUSCULAR DYSTROPHY, PSEUDOHYPERTROPHIC PROGRESSIVE, DUCHENNE TYPE. Identifiers: Orphanet 98896, MedGen C0013264, MONDO:0010679, OMIM 310200.

Submissions (5):

Labcorp Genetics (formerly Invitae), Labcorp
Classification: Pathogenic for Duchenne muscular dystrophy. Last evaluated: 2024-12-18. Review status: criteria provided, single submitter. Criteria: Invitae Variant Classification Sherloc (09022015). Collection method: clinical testing. Allele origin: germline.
Comment: This sequence change affects a donor splice site in intron 25 of the DMD gene. RNA analysis indicates that disruption of this splice site induces altered splicing and likely results in a shortened protein product. This variant is not present in population databases (gnomAD no frequency). Disruption of this splice site has been observed in individuals with Becker muscular dystrophy (PMID: 16834926, 19001018, 19783145). This variant is also known as IVS25+1G>A. ClinVar contains an entry for this variant (Variation ID: 94589). Studies have shown that disruption of this splice site results in skipping of exon 25, but is expected to preserve the integrity of the reading-frame (PMID: 19001018, 19783145). For these reasons, this variant has been classified as Pathogenic.

Revvity Omics, Revvity
Classification: Pathogenic. Last evaluated: 2019-09-03. Review status: criteria provided, single submitter. Criteria: ACMG Guidelines, 2015. Collection method: clinical testing. Allele origin: germline.

Blueprint Genetics
Classification: Pathogenic for DMD-related disorders. Last evaluated: 2017-11-02. Review status: criteria provided, single submitter. Criteria: ACMG Guidelines, 2015. Collection method: clinical testing. Allele origin: germline. Affected: yes. Observed: 2 variant alleles.

Eurofins Ntd Llc (ga)
Classification: Pathogenic. Last evaluated: 2017-03-05. Review status: criteria provided, single submitter. Criteria: EGL Classification Definitions 2015. Collection method: clinical testing. Allele origin: germline. Observed: 3 variant alleles, 1 heterozygote, 2 hemizygotes.

Athena Diagnostics
Classification: Pathogenic for Duchenne muscular dystrophy. Last evaluated: 2013-08-27. Review status: criteria provided, single submitter. Criteria: Athena Diagnostics Criteria. Collection method: clinical testing. Allele origin: germline. Inheritance: X-linked recessive inheritance.
Comment: X-linked recessive inheritance

Literature cited by the submitters: PubMed 16834926 (cited by 3 submitters); PubMed 19001018 (cited by 3 submitters); PubMed 19783145 (cited by Labcorp Genetics (formerly Invitae), Labcorp and Eurofins Ntd Llc (ga)); PubMed 20485447 (cited by Eurofins Ntd Llc (ga)).